The following is an entry in ClinVar:

ClinVar aggregate classification (germline): Uncertain significance. Review status: criteria provided, multiple submitters, no conflicts (2 of 4 stars). 2 submissions from 2 submitters: Uncertain significance (2). Last evaluated 2025-12-19.

Conditions:
Bethlem myopathy 1A. Also called: Bethlem myopathy 1; MYOPATHY, BENIGN CONGENITAL, WITH CONTRACTURES; Bethlem Muscular Dystrophy. Identifiers: Orphanet 610, MedGen CN029274, MONDO:0024530, OMIM 158810.

Allele frequency attached by ClinVar (database versions not stated): gnomAD exomes below 0.00001; TOPMed below 0.00001; gnomAD 0.00003 and 0.00005.
gnomAD v4.1: 18 of 1,610,210 alleles (0.0011%); highest among the groups gnomAD compares: African/African-American, 0.015%; no homozygotes.

Submissions (2):

Labcorp Genetics (formerly Invitae), Labcorp
Classification: Uncertain significance for Bethlem myopathy 1A. Last evaluated: 2025-12-19. Review status: criteria provided, single submitter. Criteria: Invitae Variant Classification Sherloc (09022015). Collection method: clinical testing. Allele origin: germline.
Comment: This sequence change replaces glutamine, which is neutral and polar, with arginine, which is basic and polar, at codon 194 of the COL6A2 protein (p.Gln194Arg). The frequency data for this variant in the population databases is considered unreliable, as metrics indicate poor data quality at this position in the gnomAD database. This variant has not been reported in the literature in individuals affected with COL6A2-related conditions. ClinVar contains an entry for this variant (Variation ID: 284599). Invitae Evidence Modeling of protein sequence and biophysical properties (such as structural, functional, and spatial information, amino acid conservation, physicochemical variation, residue mobility, and thermodynamic stability) indicates that this missense variant is not expected to disrupt COL6A2 protein function with a negative predictive value of 80%. In summary, the available evidence is currently insufficient to determine the role of this variant in disease. Therefore, it has been classified as a Variant of Uncertain Significance.

Eurofins Ntd Llc (ga)
Classification: Uncertain significance. Last evaluated: 2015-11-04. Review status: criteria provided, single submitter. Criteria: EGL Classification Definitions 2015. Collection method: clinical testing. Allele origin: germline. Observed: 1 variant allele, 1 heterozygote.

NM_001849.4(COL6A2):c.581A>G (p.Gln194Arg)

Gene: COL6A2 (collagen type VI alpha 2 chain; plus strand). Cytogenetic location: 21q22.3.
Variant type: single nucleotide variant.
Coding change: c.581A>G on transcript NM_001849.4 (MANE Select); coding-DNA position 581, A replaced by G.
Protein change: p.Gln194Arg; replaces glutamine 194 with arginine.
Molecular consequence: missense variant.
Genome position (GRCh38, 1-based): chr21:46,112,444, A>G. VCF-style: chr21-46112444-A-G. GRCh37 (hg19) VCF-style: chr21-47532358-A-G.
Other names: c.581A>G, p.Gln194Arg (NM_058174.3, NM_058175.3); short protein forms Q194R.
Identifiers: ClinVar variation 284599 (VCV000284599.15), dbSNP rs113509166, ClinGen allele CA10604849.
Genomic context (GRCh38, chr21:46,112,444, plus strand): 5'-AGCTGCAGGCCGAGCGGGCCCGCGAGGAGGGCATCCGGCTCTTCGCCGTGGCCCCCAACC[A>G]GAACCTGAAGGAGCAGGGCCTGCGGGACATCGCCAGCACGCCGCACGAGCTCTACCGCAA-3'
Protein context (NP_001840.3, residues 184-204): GIRLFAVAPN[Gln194Arg]NLKEQGLRDI